The following is an entry in ClinVar:

ClinVar aggregate classification (germline): Uncertain significance (1 of 4 stars; one submission).

Submission:

Labcorp Genetics (formerly Invitae), Labcorp
Classification: Uncertain significance. Last evaluated: 2025-02-01. Review status: criteria provided, single submitter. Criteria: Invitae Variant Classification Sherloc (09022015). Collection method: clinical testing. Allele origin: germline.
Comment: This sequence change replaces lysine, which is basic and polar, with arginine, which is basic and polar, at codon 573 of the TAOK2 protein (p.Lys573Arg). This variant is not present in population databases (gnomAD no frequency). This variant has not been reported in the literature in individuals affected with TAOK2-related conditions. An algorithm developed to predict the effect of missense changes on protein structure and function (PolyPhen-2) suggests that this variant is likely to be disruptive. In summary, the available evidence is currently insufficient to determine the role of this variant in disease. Therefore, it has been classified as a Variant of Uncertain Significance.

NM_016151.4(TAOK2):c.1718A>G (p.Lys573Arg)

Gene: TAOK2 (TAO kinase 2; plus strand). Cytogenetic location: 16p11.2.
Variant type: single nucleotide variant.
Coding change: c.1718A>G on transcript NM_016151.4 (MANE Select); coding-DNA position 1718, A replaced by G.
Protein change: p.Lys573Arg; replaces lysine 573 with arginine.
Molecular consequence: missense variant.
Genome position (GRCh38, 1-based): chr16:29,985,508, A>G. VCF-style: chr16-29985508-A-G. GRCh37 (hg19) VCF-style: chr16-29996829-A-G.
Other names: c.1718A>G, p.Lys573Arg (NM_001252043.2, NM_004783.4); short protein forms K573R.
Identifiers: ClinVar variation 3729621 (VCV003729621.2).